The following is an entry in ClinVar:

NM_053013.4(ENO3):c.554G>T (p.Gly185Val)

Gene: ENO3 (enolase 3; plus strand). Cytogenetic location: 17p13.2.
Variant type: single nucleotide variant.
Coding change: c.554G>T on transcript NM_053013.4 (MANE Select); coding-DNA position 554, G replaced by T.
Protein change: p.Gly185Val; replaces glycine 185 with valine.
Molecular consequence: missense variant.
Genome position (GRCh38, 1-based): chr17:4,955,184, G>T. VCF-style: chr17-4955184-G-T. GRCh37 (hg19) VCF-style: chr17-4858479-G-T.
Other names: c.425G>T, p.Gly142Val (NM_001193503.2); c.554G>T, p.Gly185Val (NM_001976.5); short protein forms G185V, G142V.
Identifiers: ClinVar variation 324142 (VCV000324142.13), dbSNP rs200324278, ClinGen allele CA8316347.

ClinVar aggregate classification (germline): Uncertain significance. Review status: criteria provided, multiple submitters, no conflicts (2 of 4 stars). 3 submissions from 3 submitters: Uncertain significance (3). Last evaluated 2024-02-21.

Conditions:
Inborn genetic diseases. Identifiers: MedGen C0950123, MeSH D030342.
Glycogen storage disease due to muscle beta-enolase deficiency (GSD13). Also called: ENOLASE 3 DEFICIENCY; ENOLASE-BETA DEFICIENCY; GSD XIII; Glycogen Storage Disease Type XIII. Identifiers: Orphanet 99849, MedGen C2752027, MONDO:0013046, OMIM 612932.

Allele frequency attached by ClinVar (database versions not stated): gnomAD 0.00002 and 0.00003; TOPMed 0.00002; gnomAD exomes 0.00009 and 0.00010; ExAC 0.00010; 1000 Genomes Project 30x 0.00016; 1000 Genomes Project 0.00020.
gnomAD v4.1: 141 of 1,614,216 alleles (0.0087%); highest among the groups gnomAD compares: East Asian, 0.31%; 1 homozygote.

Submissions (3):

Ambry Genetics
Classification: Uncertain significance for Inborn genetic diseases. Last evaluated: 2024-02-21. Review status: criteria provided, single submitter. Criteria: Ambry Variant Classification Scheme 2023. Collection method: clinical testing. Allele origin: germline.

Labcorp Genetics (formerly Invitae), Labcorp
Classification: Uncertain significance for Glycogen storage disease due to muscle beta-enolase deficiency. Last evaluated: 2022-02-03. Review status: criteria provided, single submitter. Criteria: Invitae Variant Classification Sherloc (09022015). Collection method: clinical testing. Allele origin: germline.
Comment: This sequence change replaces glycine, which is neutral and non-polar, with valine, which is neutral and non-polar, at codon 185 of the ENO3 protein (p.Gly185Val). This variant is present in population databases (rs200324278, gnomAD 0.1%). This variant has not been reported in the literature in individuals affected with ENO3-related conditions. ClinVar contains an entry for this variant (Variation ID: 324142). Algorithms developed to predict the effect of missense changes on protein structure and function are either unavailable or do not agree on the potential impact of this missense change (SIFT: "Deleterious"; PolyPhen-2: "Probably Damaging"; Align-GVGD: "Class C0"). In summary, the available evidence is currently insufficient to determine the role of this variant in disease. Therefore, it has been classified as a Variant of Uncertain Significance.

Illumina Laboratory Services, Illumina
Classification: Uncertain significance for Glycogen storage disease due to muscle beta-enolase deficiency. Last evaluated: 2018-01-13. Review status: criteria provided, single submitter. Criteria: ICSL Variant Classification Criteria 13 December 2019. Collection method: clinical testing. Allele origin: germline.